The following is an entry in ClinVar:

NM_018026.4(PACS1):c.1694A>G (p.Asn565Ser)

Gene: PACS1 (phosphofurin acidic cluster sorting protein 1; plus strand). Cytogenetic location: 11q13.2.
Variant type: single nucleotide variant.
Coding change: c.1694A>G on transcript NM_018026.4 (MANE Select); coding-DNA position 1694, A replaced by G.
Protein change: p.Asn565Ser; replaces asparagine 565 with serine.
Molecular consequence: missense variant.
Genome position (GRCh38, 1-based): chr11:66,232,239, A>G. VCF-style: chr11-66232239-A-G. GRCh37 (hg19) VCF-style: chr11-65999710-A-G.
Other names: short protein forms N565S.
Identifiers: ClinVar variation 3906394 (VCV003906394.1).
Genomic context (GRCh38, chr11:66,232,239, plus strand): 5'-GAAAGGTGGTGTATGACCAGCTCAATCAGATCCTGGTGTCAGATGCAGCCCTCCCAGAAA[A>G]TGTCATTCTGGTGAACACCACTGACTGGCAGGGCCAGGTAAGTGCTGAAACTGCGAGGCC-3'
Protein context (NP_060496.2, residues 555-575): ILVSDAALPE[Asn565Ser]VILVNTTDWQ

ClinVar aggregate classification (germline): Uncertain significance (1 of 4 stars; one submission).

Submission:

GeneDx
Classification: Uncertain significance. Last evaluated: 2024-12-20. Review status: criteria provided, single submitter. Criteria: GeneDx Variant Classification Process June 2021. Collection method: clinical testing. Allele origin: germline. Affected: yes.
Comment: Not observed at significant frequency in large population cohorts (gnomAD); In silico analysis indicates that this missense variant does not alter protein structure/function; Has not been previously published as pathogenic or benign to our knowledge